The following is an entry in ClinVar:

ClinVar aggregate classification (germline): Uncertain significance. Review status: criteria provided, multiple submitters, no conflicts (2 of 4 stars). 6 submissions from 6 submitters: Uncertain significance (6). Last evaluated 2025-02-18.

Conditions:
Isolated cryptophthalmia. Also called: ANKYLOBLEPHARON, SIMPLE; Cryptophthalmos, unilateral or bilateral, isolated. Identifiers: Orphanet 91396, MedGen C1852453, MONDO:0007410, OMIM 123570.
Fraser syndrome 2 (FRASRS2). Identifiers: MedGen C4540036, MONDO:0054738, OMIM 617666.

Allele frequency attached by ClinVar (database versions not stated): TOPMed 0.00010; gnomAD 0.00013; ESP Exome Variant Server 0.00038.
gnomAD v4.1: 460 of 1,614,016 alleles (0.029%); highest among the groups gnomAD compares: Non-Finnish European, 0.036%; no homozygotes.

Submissions (6):

Women's Health and Genetics/Laboratory Corporation of America, LabCorp
Classification: Uncertain significance. Last evaluated: 2025-02-18. Review status: criteria provided, single submitter. Criteria: LabCorp Variant Classification Summary - May 2015. Collection method: clinical testing. Allele origin: germline.
Comment: Variant summary: FREM2 c.4558C>T (p.Arg1520Trp) results in a non-conservative amino acid change in the encoded protein sequence. Five of five in-silico tools predict a damaging effect of the variant on protein function. The variant allele was found at a frequency of 6.8e-05 in 250606 control chromosomes. This frequency is not significantly higher than estimated for a pathogenic variant in FREM2 causing Cryptophthalmos Syndrome (6.8e-05 vs 0.0013), allowing no conclusion about variant significance. c.4558C>T has been reported in the heterozygous state in at least 2 individuals in the literature affected with clinical features of FREM2-related conditions, without strong evidence for causality (example, Beaumont_2019, Jordan_2018). These report(s) do not provide unequivocal conclusions about association of the variant with FREM2-related conditions. To our knowledge, no experimental evidence demonstrating an impact on protein function has been reported. The following publications have been ascertained in the context of this evaluation (PMID: 30838450, 29618029). ClinVar contains an entry for this variant (Variation ID: 311978). Based on the evidence outlined above, the variant was classified as uncertain significance.

Fulgent Genetics
Classification: Uncertain significance for Isolated cryptophthalmia; Fraser syndrome 2. Last evaluated: 2024-01-05. Review status: criteria provided, single submitter. Criteria: ACMG Guidelines, 2015. Collection method: clinical testing. Allele origin: germline.

GeneDx
Classification: Uncertain significance. Last evaluated: 2023-03-25. Review status: criteria provided, single submitter. Criteria: GeneDx Variant Classification Process June 2021. Collection method: clinical testing. Allele origin: germline. Affected: yes.
Comment: Reported in the heterozygous state with another FREM2 variant on the opposite allele (in trans) in a proband with congenital diaphragmatic hernia and bilateral hydronephrosis, but no further clinical information was provided (Jordan et al., 2018); Reported as a single heterozygous variant in a fetus with spina bifida, but full familial segregation information was not provided (Beaumont et al., 2019); In silico analysis supports that this missense variant has a deleterious effect on protein structure/function; This variant is associated with the following publications: (PMID: 29618029, 30838450)

Labcorp Genetics (formerly Invitae), Labcorp
Classification: Uncertain significance. Last evaluated: 2022-06-28. Review status: criteria provided, single submitter. Criteria: Invitae Variant Classification Sherloc (09022015). Collection method: clinical testing. Allele origin: germline.
Comment: This sequence change replaces arginine, which is basic and polar, with tryptophan, which is neutral and slightly polar, at codon 1520 of the FREM2 protein (p.Arg1520Trp). This variant is present in population databases (rs142322683, gnomAD 0.01%). This missense change has been observed in individual(s) with FREM2-related conditions (PMID: 29618029, 30838450). ClinVar contains an entry for this variant (Variation ID: 311978). Algorithms developed to predict the effect of missense changes on protein structure and function are either unavailable or do not agree on the potential impact of this missense change (SIFT: "Deleterious"; PolyPhen-2: "Probably Damaging"; Align-GVGD: "Class C0"). In summary, the available evidence is currently insufficient to determine the role of this variant in disease. Therefore, it has been classified as a Variant of Uncertain Significance.

Illumina Laboratory Services, Illumina
Classification: Uncertain significance for Fraser syndrome 2. Last evaluated: 2018-01-13. Review status: criteria provided, single submitter. Criteria: ICSL Variant Classification Criteria 13 December 2019. Collection method: clinical testing. Allele origin: germline.

Juno Genomics, Hangzhou Juno Genomics, Inc
Classification: Uncertain significance for Isolated cryptophthalmia; Fraser syndrome 2. Review status: criteria provided, single submitter. Criteria: ACMG Guidelines, 2015. Collection method: clinical testing. Allele origin: germline.
Comment: Absent from controls (or at extremely low frequency if recessive) in Genome Aggregation Database.

Literature cited by the submitters: PubMed 30838450 (cited by Women's Health and Genetics/Laboratory Corporation of America, LabCorp and Labcorp Genetics (formerly Invitae), Labcorp); PubMed 29618029 (cited by Women's Health and Genetics/Laboratory Corporation of America, LabCorp and Labcorp Genetics (formerly Invitae), Labcorp).

NM_207361.6(FREM2):c.4558C>T (p.Arg1520Trp)

Gene: FREM2 (FRAS1 related extracellular matrix 2; plus strand). Cytogenetic location: 13q13.3.
Variant type: single nucleotide variant.
Coding change: c.4558C>T on transcript NM_207361.6 (MANE Select); coding-DNA position 4558, C replaced by T.
Protein change: p.Arg1520Trp; replaces arginine 1520 with tryptophan.
Molecular consequence: missense variant.
Genome position (GRCh38, 1-based): chr13:38,691,902, C>T. VCF-style: chr13-38691902-C-T. GRCh37 (hg19) VCF-style: chr13-39266039-C-T.
Other names: short protein forms R1520W.
Identifiers: ClinVar variation 311978 (VCV000311978.12), dbSNP rs142322683, ClinGen allele CA6955020.